The following is an entry in ClinVar:

ClinVar aggregate classification (germline): Uncertain significance (1 of 4 stars; one submission).

Conditions:
Pyridoxine-dependent epilepsy (EPEO4). Also called: Pyridoxine-Dependent Epilepsy - ALDH7A1; PYRIDOXINE DEPENDENCY WITH SEIZURES; EPILEPSY, EARLY-ONSET, 4, VITAMIN B6-DEPENDENT; Pyridoxine-Dependent Seizures. Identifiers: Orphanet 3006, MedGen C1849508, MONDO:0009945, OMIM 266100. Disease mechanism: loss of function.

gnomAD v4.1: 2 of 1,597,554 alleles (0.00013%); highest among the groups gnomAD compares: African/African-American, 0.0013%; no homozygotes.

Submission:

Labcorp Genetics (formerly Invitae), Labcorp
Classification: Uncertain significance for Pyridoxine-dependent epilepsy. Last evaluated: 2022-07-05. Review status: criteria provided, single submitter. Criteria: Invitae Variant Classification Sherloc (09022015). Collection method: clinical testing. Allele origin: germline.
Comment: In summary, the available evidence is currently insufficient to determine the role of this variant in disease. Therefore, it has been classified as a Variant of Uncertain Significance. Variants that disrupt the consensus splice site are a relatively common cause of aberrant splicing (PMID: 17576681, 9536098). Algorithms developed to predict the effect of sequence changes on RNA splicing suggest that this variant may disrupt the consensus splice site. This sequence change affects codon 64 of the ALDH7A1 mRNA. It is a 'silent' change, meaning that it does not change the encoded amino acid sequence of the ALDH7A1 protein. This variant also falls at the last nucleotide of exon 1, which is part of the consensus splice site for this exon. ClinVar contains an entry for this variant (Variation ID: 1368362). This variant has not been reported in the literature in individuals affected with ALDH7A1-related conditions. This variant is not present in population databases (gnomAD no frequency).

Literature cited by the submitters: PubMed 17576681; PubMed 9536098.

NM_001182.5(ALDH7A1):c.192G>A (p.Glu64=)

Gene: ALDH7A1 (aldehyde dehydrogenase 7 family member A1; minus strand). Cytogenetic location: 5q23.2.
Variant type: single nucleotide variant.
Coding change: c.192G>A on transcript NM_001182.5 (MANE Select); coding-DNA position 192, G replaced by A.
Protein change: p.Glu64=; no amino-acid change (glutamic acid 64 retained).
Molecular consequence: synonymous variant.
Genome position (GRCh38, 1-based): chr5:126,595,007, C>T on the plus strand (G>A on the coding strand, the complement: ALDH7A1 is on the minus strand). VCF-style: chr5-126595007-C-T. GRCh37 (hg19) VCF-style: chr5-125930699-C-T.
Other names: c.108G>A, p.Glu36= (NM_001201377.2); c.192G>A, p.Glu64= (NM_001202404.2).
Identifiers: ClinVar variation 1368362 (VCV001368362.8), dbSNP rs1581409051, ClinGen allele CA446487925.
Genomic context (GRCh38, chr5:126,595,007, plus strand): 5'-CCGCCCGGCCTCCTCGAGCGAGCCCCGGCGGCTGCAGAGATTTCTTGAGCGCCCGCGTAC[C>T]TCTCCCCGGCCTCCCCAGCTTCCATTATACACGCCCTCGTTTTCCTCGCGGAGCCCCAGC-3'
Protein context (NP_001173.2, residues 54-74): VYNGSWGGRG[Glu64=]VITTYCPANN